The following is an entry in ClinVar:

NM_001040142.2(SCN2A):c.605+1G>C

Gene: SCN2A (sodium voltage-gated channel alpha subunit 2; plus strand). Cytogenetic location: 2q24.3.
Variant type: single nucleotide variant.
Coding change: c.605+1G>C on transcript NM_001040142.2 (MANE Select); the canonical splice donor site of the intron after coding-DNA position 605, G replaced by C.
Molecular consequence: splice donor variant.
Genome position (GRCh38, 1-based): chr2:165,308,795, G>C. VCF-style: chr2-165308795-G-C. GRCh37 (hg19) VCF-style: chr2-166165305-G-C.
Other names: c.605+1G>C (NM_001040143.2, NM_001371246.1, NM_001371247.1 and 1 more transcripts).
Identifiers: ClinVar variation 3366956 (VCV003366956.1).

ClinVar aggregate classification (germline): Pathogenic (1 of 4 stars; one submission).

Conditions:
Seizures, benign familial infantile, 3 (BFIS3). Also called: CONVULSIONS, BENIGN FAMILIAL INFANTILE, 3; Familial neonatal seizures. Identifiers: Orphanet 140927, Orphanet 306, MedGen C1843140, MONDO:0011904, OMIM 607745.
Developmental and epileptic encephalopathy, 11 (DEE11). Also called: Early infantile epileptic encephalopathy 11. Identifiers: Orphanet 1934, MedGen C3150987, MONDO:0013388, OMIM 613721.
Episodic ataxia, type 9. Identifiers: MedGen C5394520, MONDO:0030064, OMIM 618924.

Submission:

Institute of Immunology and Genetics Kaiserslautern
Classification: Pathogenic for Developmental and epileptic encephalopathy, 11; Episodic ataxia, type 9; Seizures, benign familial infantile, 3. Last evaluated: 2024-08-12. Review status: criteria provided, single submitter. Criteria: ACMG Guidelines, 2015. Collection method: clinical testing. Allele origin: de novo. Affected: yes.
Comment: ACMG Criteria: PVS1, PM2_P, PS2; Variant was found in heterozygous state. De novo-status was confirmed via in-house segregation analysis.